The following is an entry in ClinVar:

NM_058179.4(PSAT1):c.94T>C (p.Tyr32His)

Gene: PSAT1 (phosphoserine aminotransferase 1; plus strand). Cytogenetic location: 9q21.2.
Variant type: single nucleotide variant.
Coding change: c.94T>C on transcript NM_058179.4 (MANE Select); coding-DNA position 94, T replaced by C.
Protein change: p.Tyr32His; replaces tyrosine 32 with histidine.
Molecular consequence: missense variant.
Genome position (GRCh38, 1-based): chr9:78,300,635, T>C. VCF-style: chr9-78300635-T-C. GRCh37 (hg19) VCF-style: chr9-80915551-T-C.
Other names: c.94T>C, p.Tyr32His (NM_021154.5); short protein forms Y32H.
Identifiers: ClinVar variation 976973 (VCV000976973.9), dbSNP rs373736401, ClinGen allele CA5095502.
Genomic context (GRCh38, chr9:78,300,635, plus strand): 5'-ACCCTATTTTCCTTTATTTTTTTCTAGGTGTTGTTAGAGATACAAAAGGAATTATTAGAC[T>C]ACAAAGGAGTTGGCATTAGTGTTCTTGGTAAGATTTACTTTTGAATTCTGTGAATGTCCA-3'
Protein context (NP_478059.1, residues 22-42): LLEIQKELLD[Tyr32His]KGVGISVLEM

ClinVar aggregate classification (germline): Uncertain significance. Review status: criteria provided, single submitter (1 of 4 stars). 2 submissions from 2 submitters: Uncertain significance (1). 1 of the submissions does not count toward it. Last evaluated 2022-03-09.

Conditions:
Neu-Laxova syndrome 2. Identifiers: Orphanet 2671, Orphanet 583602, MedGen C4015019, MONDO:0014466, OMIM 616038.

Allele frequency attached by ClinVar (database versions not stated): gnomAD exomes 0.00002 and below 0.00001; ExAC 0.00004; TOPMed 0.00006; ESP Exome Variant Server 0.00008; gnomAD 0.00002.
gnomAD v4.1: 9 of 1,604,848 alleles (0.00056%); highest among the groups gnomAD compares: African/African-American, 0.011%; no homozygotes.

Submissions (2):

Labcorp Genetics (formerly Invitae), Labcorp
Classification: Uncertain significance for Neu-Laxova syndrome 2. Last evaluated: 2022-03-09. Review status: criteria provided, single submitter. Criteria: Invitae Variant Classification Sherloc (09022015). Collection method: clinical testing. Allele origin: germline.
Comment: In summary, the available evidence is currently insufficient to determine the role of this variant in disease. Therefore, it has been classified as a Variant of Uncertain Significance. Experimental studies are conflicting or provide insufficient evidence to determine the effect of this variant on PSAT1 function (PMID: 32077105). Algorithms developed to predict the effect of missense changes on protein structure and function are either unavailable or do not agree on the potential impact of this missense change (SIFT: "Deleterious"; PolyPhen-2: "Benign"; Align-GVGD: "Class C0"). ClinVar contains an entry for this variant (Variation ID: 976973). This variant has not been reported in the literature in individuals affected with PSAT1-related conditions. This variant is present in population databases (rs373736401, gnomAD 0.02%). This sequence change replaces tyrosine, which is neutral and polar, with histidine, which is basic and polar, at codon 32 of the PSAT1 protein (p.Tyr32His).

Dudley Research Group, Pacific Northwest Research Institute
No classification provided. Review status: no classification provided. Collection method: research, in vivo. Allele origin: unknown, not applicable. Functional consequence: functionally_normal. Not counted in ClinVar's aggregate classification.

Literature cited by the submitters: PubMed 32077105 (cited by Labcorp Genetics (formerly Invitae), Labcorp).